The following is an entry in ClinVar:

NM_006231.4(POLE):c.2276G>A (p.Arg759His)

Gene: POLE (DNA polymerase epsilon, catalytic subunit; minus strand). Cytogenetic location: 12q24.33.
Variant type: single nucleotide variant.
Coding change: c.2276G>A on transcript NM_006231.4 (MANE Select); coding-DNA position 2276, G replaced by A.
Protein change: p.Arg759His; replaces arginine 759 with histidine.
Molecular consequence: missense variant.
Genome position (GRCh38, 1-based): chr12:132,667,546, C>T on the plus strand (G>A on the coding strand, the complement: POLE is on the minus strand). VCF-style: chr12-132667546-C-T. GRCh37 (hg19) VCF-style: chr12-133244132-C-T.
Other names: short protein forms R759H.
Identifiers: ClinVar variation 240431 (VCV000240431.20), dbSNP rs746774432, ClinGen allele CA6893613.

ClinVar aggregate classification (germline): Uncertain significance. Review status: criteria provided, multiple submitters, no conflicts (2 of 4 stars). 8 submissions from 8 submitters: Uncertain significance (6). 2 of the submissions do not count toward it. Last evaluated 2025-12-28.

Conditions:
Familial colorectal cancer type X. Identifiers: Orphanet 440437, MedGen C3896578, MONDO:0018604.
Polymerase proofreading-related adenomatous polyposis. Also called: Polymerase proofreading associated polyposis; Polymerase proofreading–associated polyposis (PPAP). Identifiers: Orphanet 447877, MedGen C5202613, MONDO:0018653.
Colorectal cancer, susceptibility to, 12 (CRCS12). Also called: COLORECTAL CANCER, SUSCEPTIBILITY TO, ON CHROMOSOME 12q24. Identifiers: Orphanet 220460, MedGen C3554460, MONDO:0014038, OMIM 615083.
Facial dysmorphism-immunodeficiency-livedo-short stature syndrome. Also called: Facial dysmorphism, immunodeficiency, livedo, and short stature; FILS syndrome. Identifiers: Orphanet 352712, MedGen C3554576, MONDO:0014058, OMIM 615139.
Hereditary cancer-predisposing syndrome. Also called: Tumor predisposition; Neoplastic Syndromes, Hereditary; Hereditary Cancer Syndrome; Hereditary neoplastic syndrome. Identifiers: Orphanet 140162, MedGen C0027672, MeSH D009386, MONDO:0015356.

Allele frequency attached by ClinVar (database versions not stated): gnomAD 0.00003; TOPMed 0.00003.
gnomAD v4.1: 28 of 1,613,856 alleles (0.0017%); highest among the groups gnomAD compares: Middle Eastern, 0.049%; no homozygotes.

Submissions (8):

Labcorp Genetics (formerly Invitae), Labcorp
Classification: Uncertain significance. Last evaluated: 2025-12-28. Review status: criteria provided, single submitter. Criteria: Invitae Variant Classification Sherloc (09022015). Collection method: clinical testing. Allele origin: germline.
Comment: This sequence change replaces arginine, which is basic and polar, with histidine, which is basic and polar, at codon 759 of the POLE protein (p.Arg759His). This variant is present in population databases (rs746774432, gnomAD 0.006%). This variant has not been reported in the literature in individuals affected with POLE-related conditions. ClinVar contains an entry for this variant (Variation ID: 240431). Invitae Evidence Modeling of protein sequence and biophysical properties (such as structural, functional, and spatial information, amino acid conservation, physicochemical variation, residue mobility, and thermodynamic stability) indicates that this missense variant is expected to disrupt POLE protein function with a positive predictive value of 80%. In summary, the available evidence is currently insufficient to determine the role of this variant in disease. Therefore, it has been classified as a Variant of Uncertain Significance.

Center for Genomic Medicine, Rigshospitalet, Copenhagen University Hospital
Classification: Uncertain significance. Last evaluated: 2025-03-04. Review status: criteria provided, single submitter. Criteria: ACMG Guidelines, 2015. Collection method: clinical testing. Allele origin: germline.

Ambry Genetics
Classification: Uncertain significance for Hereditary cancer-predisposing syndrome. Last evaluated: 2024-10-17. Review status: criteria provided, single submitter. Criteria: Ambry Variant Classification Scheme 2023. Collection method: clinical testing. Allele origin: germline.
Comment: The p.R759H variant (also known as c.2276G>A), located in coding exon 20 of the POLE gene, results from a G to A substitution at nucleotide position 2276. The arginine at codon 759 is replaced by histidine, an amino acid with highly similar properties. This amino acid position is highly conserved in available vertebrate species. In addition, the in silico prediction for this alteration is inconclusive. Based on the available evidence, the clinical significance of this variant remains unclear.

GeneDx
Classification: Uncertain significance. Last evaluated: 2024-02-02. Review status: criteria provided, single submitter. Criteria: GeneDx Variant Classification Process June 2021. Collection method: clinical testing. Allele origin: germline. Affected: yes.
Comment: In silico analysis supports that this missense variant has a deleterious effect on protein structure/function; Observed in an individual with breast cancer, as well as an individual with features of tuberous sclerosis complex who also harbored a truncating variant in TSC2 (PMID: 28202063, 34344650); This variant is associated with the following publications: (PMID: 25305755, 27499911, Androsova2023[poster], 20951805, 34344650, 28202063)

Department of Pathology and Laboratory Medicine, Sinai Health System
Classification: Uncertain significance for Polymerase proofreading-related adenomatous polyposis; Familial colorectal cancer type X. Last evaluated: 2019-12-30. Review status: criteria provided, single submitter. Criteria: ACMG Guidelines, 2015. Collection method: clinical testing. Allele origin: germline. Affected: yes.

Fulgent Genetics
Classification: Uncertain significance for Colorectal cancer, susceptibility to, 12; Facial dysmorphism-immunodeficiency-livedo-short stature syndrome. Last evaluated: 2018-10-31. Review status: criteria provided, single submitter. Criteria: ACMG Guidelines, 2015. Collection method: clinical testing. Allele origin: unknown.

Counsyl
Classification: Uncertain significance for Colorectal cancer, susceptibility to, 12. Last evaluated: 2018-01-17. Review status: no assertion criteria provided. Collection method: clinical testing. Allele origin: unknown. Not counted in ClinVar's aggregate classification.

True Health Diagnostics
Classification: Uncertain significance for Hereditary cancer-predisposing syndrome. Last evaluated: 2017-09-13. Review status: no assertion criteria provided. Collection method: clinical testing. Allele origin: germline. Not counted in ClinVar's aggregate classification.

Literature cited by the submitters: PubMed 28202063 (cited by Department of Pathology and Laboratory Medicine, Sinai Health System and Counsyl).